The following is an entry in ClinVar:

ClinVar aggregate classification (germline): Uncertain significance (1 of 4 stars; one submission).

Conditions:
Hereditary cancer-predisposing syndrome. Also called: Neoplastic Syndromes, Hereditary; Tumor predisposition; Hereditary neoplastic syndrome; Hereditary Cancer Syndrome. Identifiers: Orphanet 140162, MedGen C0027672, MeSH D009386, MONDO:0015356.

Submission:

Ambry Genetics
Classification: Uncertain significance for Hereditary cancer-predisposing syndrome. Last evaluated: 2024-04-10. Review status: criteria provided, single submitter. Criteria: Ambry Variant Classification Scheme 2023. Collection method: clinical testing. Allele origin: germline.
Comment: The p.I481V variant (also known as c.1441A>G), located in coding exon 16 of the RB1 gene, results from an A to G substitution at nucleotide position 1441. The isoleucine at codon 481 is replaced by valine, an amino acid with highly similar properties. This amino acid position is conserved. In addition, this alteration is predicted to be tolerated by in silico analysis. Based on the available evidence, the clinical significance of this variant remains unclear.

NM_000321.3(RB1):c.1441A>G (p.Ile481Val)

Gene: RB1 (RB transcriptional corepressor 1; plus strand). Cytogenetic location: 13q14.2.
Variant type: single nucleotide variant.
Coding change: c.1441A>G on transcript NM_000321.3 (MANE Select); coding-DNA position 1441, A replaced by G.
Protein change: p.Ile481Val; replaces isoleucine 481 with valine.
Molecular consequence: missense variant.
Genome position (GRCh38, 1-based): chr13:48,380,184, A>G. VCF-style: chr13-48380184-A-G. GRCh37 (hg19) VCF-style: chr13-48954320-A-G.
Other names: c.1441A>G, p.Ile481Val (NM_001407165.1, NM_001407166.1); short protein forms I481V.
Identifiers: ClinVar variation 3313022 (VCV003313022.1).